The following is an entry in ClinVar:

ClinVar aggregate classification (germline): Uncertain significance (1 of 4 stars; one submission).

Conditions:
Cardiovascular phenotype. Identifiers: MedGen CN230736.

Submission:

Ambry Genetics
Classification: Uncertain significance for Cardiovascular phenotype. Last evaluated: 2023-07-18. Review status: criteria provided, single submitter. Criteria: Ambry Variant Classification Scheme 2023. Collection method: clinical testing. Allele origin: germline.
Comment: The p.I1011V variant (also known as c.3031A>G), located in coding exon 24 of the ABCC9 gene, results from an A to G substitution at nucleotide position 3031. The isoleucine at codon 1011 is replaced by valine, an amino acid with highly similar properties. This amino acid position is highly conserved in available vertebrate species. In addition, the in silico prediction for this alteration is inconclusive. Since supporting evidence is limited at this time, the clinical significance of this alteration remains unclear.

NM_020297.4(ABCC9):c.3031A>G (p.Ile1011Val)

Gene: ABCC9 (ATP binding cassette subfamily C member 9; minus strand). Cytogenetic location: 12p12.1.
Variant type: single nucleotide variant.
Coding change: c.3031A>G on transcript NM_020297.4 (MANE Select); coding-DNA position 3031, A replaced by G.
Protein change: p.Ile1011Val; replaces isoleucine 1011 with valine.
Molecular consequence: missense variant.
Genome position (GRCh38, 1-based): chr12:21,845,668, T>C on the plus strand (A>G on the coding strand, the complement: ABCC9 is on the minus strand). VCF-style: chr12-21845668-T-C. GRCh37 (hg19) VCF-style: chr12-21998602-T-C.
Other names: c.3031A>G, p.Ile1011Val (NM_001377273.1, NM_005691.4); c.2164A>G, p.Ile722Val (NM_001377274.1); short protein forms I1011V, I722V.
Identifiers: ClinVar variation 2607282 (VCV002607282.2), dbSNP rs1261525142, ClinGen allele CA384119665.